The following is an entry in ClinVar:

NM_001540.5(HSPB1):c.365-5C>A

Gene: HSPB1 (heat shock protein family B (small) member 1; plus strand). Cytogenetic location: 7q11.23.
Variant type: single nucleotide variant.
Coding change: c.365-5C>A on transcript NM_001540.5 (MANE Select); 5 bases into the intron before coding-DNA position 365, C replaced by A.
Molecular consequence: intron variant.
Genome position (GRCh38, 1-based): chr7:76,303,797, C>A. VCF-style: chr7-76303797-C-A. GRCh37 (hg19) VCF-style: chr7-75933114-C-A.
Identifiers: ClinVar variation 1733625 (VCV001733625.8), dbSNP rs368936457, ClinGen allele CA575786726.

ClinVar aggregate classification (germline): Conflicting classifications of pathogenicity. Review status: criteria provided, conflicting classifications (1 of 4 stars). 3 submissions from 3 submitters: Uncertain significance (1); Likely benign (2). Last evaluated 2026-09-10.

Conditions:
Charcot-Marie-Tooth disease axonal type 2F (CMT2F). Also called: CHARCOT-MARIE-TOOTH DISEASE, NEURONAL, TYPE 2F; Charcot-Marie-Tooth Neuropathy Type 2F. Identifiers: Orphanet 99940, MedGen C1847823, MONDO:0011687, OMIM 606595.
HSPB1-related disorder. Also called: HSPB1-related condition; HSPB1-related disorders.
Inborn genetic diseases. Identifiers: MedGen C0950123, MeSH D030342.

Allele frequency attached by ClinVar (database versions not stated): TOPMed below 0.00001.
gnomAD v4.1: 12 of 1,610,354 alleles (0.00075%); highest among the groups gnomAD compares: East Asian, 0.0022%; no homozygotes.

Submissions (3):

PreventionGenetics, part of Exact Sciences
Classification: Likely benign for HSPB1-related condition. Last evaluated: 2026-09-10. Review status: criteria provided, single submitter. Criteria: ACMG Guidelines, 2015. Collection method: clinical testing. Allele origin: germline.
Comment: This variant is classified as likely benign based on ACMG/AMP sequence variant interpretation guidelines (Richards et al. 2015 PMID: 25741868, with internal and published modifications).

Labcorp Genetics (formerly Invitae), Labcorp
Classification: Likely benign for Charcot-Marie-Tooth disease axonal type 2F. Last evaluated: 2025-03-04. Review status: criteria provided, single submitter. Criteria: Invitae Variant Classification Sherloc (09022015). Collection method: clinical testing. Allele origin: germline.

Ambry Genetics
Classification: Uncertain significance for Inborn genetic diseases. Last evaluated: 2019-12-19. Review status: criteria provided, single submitter. Criteria: Ambry Variant Classification Scheme 2023. Collection method: clinical testing. Allele origin: germline.
Comment: The c.365-5C>A intronic variant results from a C to A substitution 5 nucleotides upstream from coding exon 2 in the HSPB1 gene. This nucleotide position is not well conserved in available vertebrate species. Using the BDGP and ESEfinder splice site prediction tools, this alteration is predicted to weaken the efficiency of the native splice acceptor site; however, direct evidence is unavailable. Since supporting evidence is limited at this time, the clinical significance of this alteration remains unclear.